The following is an entry in ClinVar:

ClinVar aggregate classification (germline): Uncertain significance. Review status: criteria provided, multiple submitters, no conflicts (2 of 4 stars). 2 submissions from 2 submitters: Uncertain significance (2). Last evaluated 2025-03-05.

Submissions (2):

Labcorp Genetics (formerly Invitae), Labcorp
Classification: Uncertain significance. Last evaluated: 2025-03-05. Review status: criteria provided, single submitter. Criteria: Invitae Variant Classification Sherloc (09022015). Collection method: clinical testing. Allele origin: germline.
Comment: This sequence change replaces threonine, which is neutral and polar, with isoleucine, which is neutral and non-polar, at codon 96 of the DLST protein (p.Thr96Ile). This variant is not present in population databases (gnomAD no frequency). This variant has not been reported in the literature in individuals affected with DLST-related conditions. Invitae Evidence Modeling of protein sequence and biophysical properties (such as structural, functional, and spatial information, amino acid conservation, physicochemical variation, residue mobility, and thermodynamic stability) indicates that this missense variant is not expected to disrupt DLST protein function with a negative predictive value of 80%. In summary, the available evidence is currently insufficient to determine the role of this variant in disease. Therefore, it has been classified as a Variant of Uncertain Significance.

Ambry Genetics
Classification: Uncertain significance. Last evaluated: 2025-01-01. Review status: criteria provided, single submitter. Criteria: Ambry Variant Classification Scheme 2023. Collection method: clinical testing. Allele origin: germline.

NM_001933.5(DLST):c.287C>T (p.Thr96Ile)

Gene: DLST (dihydrolipoamide S-succinyltransferase; plus strand). Cytogenetic location: 14q24.3.
Variant type: single nucleotide variant.
Coding change: c.287C>T on transcript NM_001933.5 (MANE Select); coding-DNA position 287, C replaced by T.
Protein change: p.Thr96Ile; replaces threonine 96 with isoleucine.
Molecular consequence: missense variant. On other transcripts: non-coding transcript variant (1).
Genome position (GRCh38, 1-based): chr14:74,889,909, C>T. VCF-style: chr14-74889909-C-T. GRCh37 (hg19) VCF-style: chr14-75356612-C-T.
Other names: c.287C>T, p.Thr96Ile (NM_001244883.2); short protein forms T96I.
Identifiers: ClinVar variation 3840408 (VCV003840408.2).